The following is an entry in ClinVar:

ClinVar aggregate classification (germline): Likely benign (1 of 4 stars; one submission).

gnomAD v4.1: 838 of 1,572,188 alleles (0.053%); highest among the groups gnomAD compares: Non-Finnish European, 0.067%; no homozygotes.

Submissions (2):

CeGaT Center for Human Genetics Tuebingen
Classification: Likely benign. Last evaluated: 2026-01-01. Review status: criteria provided, single submitter. Criteria: CeGaT Center For Human Genetics Tuebingen Variant Classification Criteria Version 2. Collection method: clinical testing. Allele origin: germline. Affected: yes. Observed: 1 variant allele.
Comment: KDM4B: BP4, BP7

Dr. Peter K. Rogan Lab, Western University
No classification provided (evidence only). Condition: Sarcoma. Review status: no classification provided. Collection method: in vitro. Allele origin: not applicable. Functional consequence: retained intron. Not counted in ClinVar's aggregate classification.

NM_015015.3(KDM4B):c.1114A>C (p.Arg372=)

Gene: KDM4B (lysine demethylase 4B; plus strand). Cytogenetic location: 19p13.3.
Variant type: single nucleotide variant.
Coding change: c.1114A>C on transcript NM_015015.3 (MANE Select); coding-DNA position 1114, A replaced by C.
Protein change: p.Arg372=; no amino-acid change (arginine 372 retained).
Molecular consequence: synonymous variant.
Genome position (GRCh38, 1-based): chr19:5,110,817, A>C. VCF-style: chr19-5110817-A-C. GRCh37 (hg19) VCF-style: chr19-5110828-A-C.
Other names: NC_000019.9:g.5110828A>C; c.1114A>C, p.Arg372= (NM_001370093.1, NM_001370094.1, NM_001411148.1).
Identifiers: ClinVar variation 4443848 (VCV004443848.5).